The following is an entry in ClinVar:

ClinVar aggregate classification (germline): Benign/Likely benign. Review status: criteria provided, multiple submitters, no conflicts (2 of 4 stars). 6 submissions from 6 submitters: Benign (2); Likely benign (4). Last evaluated 2025-10-15.

Conditions:
Focal segmental glomerulosclerosis 5 (FSGS5). Identifiers: Orphanet 656, MedGen C2750475, MONDO:0013191, OMIM 613237.
Charcot-Marie-Tooth disease dominant intermediate E. Also called: CHARCOT-MARIE-TOOTH NEUROPATHY WITH FOCAL SEGMENTAL GLOMERULONEPHRITIS. Identifiers: Orphanet 93114, MedGen C4302667, MONDO:0013758, OMIM 614455.
INF2-related disorder. Also called: INF2-related condition.

Allele frequency attached by ClinVar (database versions not stated): TOPMed 0.00019; 1000 Genomes Project 0.00020; gnomAD 0.00025 and 0.00028; gnomAD exomes 0.00005 and 0.00014; ESP Exome Variant Server 0.00008; ExAC 0.00012; 1000 Genomes Project 30x 0.00016.
gnomAD v4.1: 116 of 1,612,950 alleles (0.0072%); highest among the groups gnomAD compares: African/African-American, 0.056%; no homozygotes.

Submissions (6):

Mayo Clinic Laboratories, Mayo Clinic
Classification: Likely benign. Last evaluated: 2025-10-15. Review status: criteria provided, single submitter. Criteria: ACMG Guidelines, 2015. Collection method: clinical testing. Allele origin: germline. Observed: 1 variant allele.
Comment: BP4, BP7

PreventionGenetics, part of Exact Sciences
Classification: Likely benign for INF2-related condition. Last evaluated: 2025-06-03. Review status: criteria provided, single submitter. Criteria: ACMG Guidelines, 2015. Collection method: clinical testing. Allele origin: germline.
Comment: This variant is classified as likely benign based on ACMG/AMP sequence variant interpretation guidelines (Richards et al. 2015 PMID: 25741868, with internal and published modifications).

Labcorp Genetics (formerly Invitae), Labcorp
Classification: Benign for Charcot-Marie-Tooth disease dominant intermediate E; Focal segmental glomerulosclerosis 5. Last evaluated: 2024-08-08. Review status: criteria provided, single submitter. Criteria: Invitae Variant Classification Sherloc (09022015). Collection method: clinical testing. Allele origin: germline.

Fulgent Genetics
Classification: Likely benign for Focal segmental glomerulosclerosis 5; Charcot-Marie-Tooth disease dominant intermediate E. Last evaluated: 2022-01-08. Review status: criteria provided, single submitter. Criteria: ACMG Guidelines, 2015. Collection method: clinical testing. Allele origin: unknown.

ARUP Laboratories, Molecular Genetics and Genomics, ARUP Laboratories
Classification: Likely benign. Last evaluated: 2018-02-15. Review status: criteria provided, single submitter. Criteria: ARUP Molecular Germline Variant Investigation Process. Collection method: clinical testing. Allele origin: germline.
Comment: The c.609C>T; p.Ala203Ala variant (rs140017506) does not alter the amino acid sequence of the INF2 protein and computational splice site prediction algorithms do not predict a change in the nearest splice site or creation of a cryptic splice site. This variant has not been reported in association with CMT in medical literature or in gene specific variation databases. This variant is listed in the genome Aggregation Database (gnomAD) with a Finnish population frequency of 0.1% (identified on 26 out of 25,772 chromosomes). Based on the available information, the c.609C>T variant is likely to be benign.

Illumina Laboratory Services, Illumina
Classification: Benign for Focal segmental glomerulosclerosis 5. Last evaluated: 2018-01-13. Review status: criteria provided, single submitter. Criteria: ICSL Variant Classification Criteria 13 December 2019. Collection method: clinical testing. Allele origin: germline.
Comment: This variant was observed in the ICSL laboratory as part of a predisposition screen in an ostensibly healthy population. It had not been previously curated by ICSL or reported in the Human Gene Mutation Database (HGMD: prior to June 1st, 2018), and was therefore a candidate for classification through an automated scoring system. Utilizing variant allele frequency, disease prevalence and penetrance estimates, and inheritance mode, an automated score was calculated to assess if this variant is too frequent to cause the disease. Based on the score and internal cut-off values, a variant classified as benign is not then subjected to further curation. The score for this variant resulted in a classification of benign for this disease.

NM_022489.4(INF2):c.609C>T (p.Ala203=)

Gene: INF2 (inverted formin 2; plus strand). Cytogenetic location: 14q32.33.
Variant type: single nucleotide variant.
Coding change: c.609C>T on transcript NM_022489.4 (MANE Select); coding-DNA position 609, C replaced by T.
Protein change: p.Ala203=; no amino-acid change (alanine 203 retained).
Molecular consequence: synonymous variant.
Genome position (GRCh38, 1-based): chr14:104,703,396, C>T. VCF-style: chr14-104703396-C-T. GRCh37 (hg19) VCF-style: chr14-105169733-C-T.
Other names: p.Ala203=; c.609C>T, p.Ala203= (NM_001031714.4, NM_032714.3).
Identifiers: ClinVar variation 618692 (VCV000618692.24), dbSNP rs140017506, ClinGen allele CA7372338.